The following is an entry in ClinVar:

ClinVar aggregate classification (germline): Uncertain significance. Review status: criteria provided, multiple submitters, no conflicts (2 of 4 stars). 7 submissions from 7 submitters: Uncertain significance (5). 2 of the submissions do not count toward it. Last evaluated 2024-03-19.

Conditions:
RPGRIP1L-related disorder. Also called: RPGRIP1L-related disorders; RPGRIP1L-related condition. Identifiers: MedGen CN239416.
Meckel syndrome, type 5 (MKS5). Identifiers: Orphanet 564, MedGen C1969052, MONDO:0012695, OMIM 611561.
Joubert syndrome 7 (JBTS7). Identifiers: Orphanet 220497, MedGen C1969053, MONDO:0012694, OMIM 611560.
COACH syndrome 3. Identifiers: MedGen C5436841, MONDO:0030862, OMIM 619113.
Inborn genetic diseases. Identifiers: MedGen C0950123, MeSH D030342.
Joubert syndrome. Also called: JOUBERT-BOLTSHAUSER SYNDROME; Familial aplasia of the vermis. Identifiers: Orphanet 475, MedGen C5979921, MONDO:0018772.
Meckel-Gruber syndrome. Also called: DYSENCEPHALIA SPLANCHNOCYSTICA; GRUBER SYNDROME; Dysencephalia splachnocystica. Identifiers: Orphanet 564, MedGen C0265215, MONDO:0018921.

Allele frequency attached by ClinVar (database versions not stated): gnomAD exomes 0.00005 and 0.00006; TOPMed 0.00007; ESP Exome Variant Server 0.00008; gnomAD 0.00008 and 0.00009; ExAC 0.00010.
gnomAD v4.1: 104 of 1,600,512 alleles (0.0065%); highest among the groups gnomAD compares: Non-Finnish European, 0.0081%; no homozygotes.

Submissions (7):

Fulgent Genetics
Classification: Uncertain significance for Joubert syndrome 7; Meckel syndrome, type 5; COACH syndrome 3. Last evaluated: 2024-03-19. Review status: criteria provided, single submitter. Criteria: ACMG Guidelines, 2015. Collection method: clinical testing. Allele origin: germline.

Blueprint Genetics
Classification: Uncertain significance. Last evaluated: 2023-12-05. Review status: criteria provided, single submitter. Criteria: ACMG Guidelines, 2015. Collection method: clinical testing. Allele origin: germline.

Mayo Clinic Laboratories, Mayo Clinic
Classification: Uncertain significance. Last evaluated: 2023-10-05. Review status: criteria provided, single submitter. Criteria: ACMG Guidelines, 2015. Collection method: clinical testing. Allele origin: germline. Observed: 1 variant allele.
Comment: BP4

Labcorp Genetics (formerly Invitae), Labcorp
Classification: Uncertain significance for Joubert syndrome; Meckel-Gruber syndrome. Last evaluated: 2022-09-19. Review status: criteria provided, single submitter. Criteria: Invitae Variant Classification Sherloc (09022015). Collection method: clinical testing. Allele origin: germline.
Comment: This sequence change replaces isoleucine, which is neutral and non-polar, with valine, which is neutral and non-polar, at codon 445 of the RPGRIP1L protein (p.Ile445Val). This variant is present in population databases (rs140876280, gnomAD 0.008%). This variant has not been reported in the literature in individuals affected with RPGRIP1L-related conditions. ClinVar contains an entry for this variant (Variation ID: 933535). Advanced modeling of protein sequence and biophysical properties (such as structural, functional, and spatial information, amino acid conservation, physicochemical variation, residue mobility, and thermodynamic stability) performed at Invitae indicates that this missense variant is not expected to disrupt RPGRIP1L protein function. In summary, the available evidence is currently insufficient to determine the role of this variant in disease. Therefore, it has been classified as a Variant of Uncertain Significance.

Ambry Genetics
Classification: Uncertain significance for Inborn genetic diseases. Last evaluated: 2021-06-25. Review status: criteria provided, single submitter. Criteria: Ambry Variant Classification Scheme 2023. Collection method: clinical testing. Allele origin: germline.

PreventionGenetics, part of Exact Sciences
Classification: Uncertain significance for RPGRIP1L-related condition. Last evaluated: 2024-04-05. Review status: no assertion criteria provided. Collection method: clinical testing. Allele origin: germline. Not counted in ClinVar's aggregate classification.
Comment: The RPGRIP1L c.1333A>G variant is predicted to result in the amino acid substitution p.Ile445Val. This variant was reported as uncertain significance in a cohort of patients with inherited retinal and/or optical nerve disorders (Table S12, Diñeiro et al. 2020. PubMed ID: 32483926). This variant is reported in 0.0082% of alleles in individuals of European (Non-Finnish) descent in gnomAD. At this time, the clinical significance of this variant is uncertain due to the absence of conclusive functional and genetic evidence.

Natera, Inc.
Classification: Uncertain significance for Joubert syndrome. Last evaluated: 2020-04-24. Review status: no assertion criteria provided. Collection method: clinical testing. Allele origin: germline. Not counted in ClinVar's aggregate classification.

Literature cited by the submitters: PubMed 32483926 (cited by Mayo Clinic Laboratories, Mayo Clinic).

NM_015272.5(RPGRIP1L):c.1333A>G (p.Ile445Val)

Gene: RPGRIP1L (RPGRIP1 like; minus strand). Cytogenetic location: 16q12.2.
Variant type: single nucleotide variant.
Coding change: c.1333A>G on transcript NM_015272.5 (MANE Select); coding-DNA position 1333, A replaced by G.
Protein change: p.Ile445Val; replaces isoleucine 445 with valine.
Molecular consequence: missense variant.
Genome position (GRCh38, 1-based): chr16:53,658,789, T>C on the plus strand (A>G on the coding strand, the complement: RPGRIP1L is on the minus strand). VCF-style: chr16-53658789-T-C. GRCh37 (hg19) VCF-style: chr16-53692701-T-C.
Other names: p.Ile445Val; c.1333A>G, p.Ile445Val (NM_001127897.4, NM_001308334.3, NM_001330538.2); c.1333A>G (NM_015272.4); short protein forms I445V.
Identifiers: ClinVar variation 933535 (VCV000933535.11), dbSNP rs140876280, ClinGen allele CA8057846.
Genomic context (GRCh38, chr16:53,658,789, plus strand): 5'-TAAAAATTCTGAGTTTTATTTCTTAAATAAGGAAATAATTCACCTGGTTGTACAATTTTA[T>C]GCGTTTTTTAAGTTCATCAAGTTGTTGCTTTTGTTCCAGATACTGTAACTGTAGTTCTCT-3'
Protein context (NP_056087.2, residues 435-455): KQQLDELKKR[Ile445Val]KLYNQENDIN